The following is an entry in ClinVar:

NM_001040108.2(MLH3):c.2868C>G (p.Asn956Lys)

Gene: MLH3 (mutL homolog 3; minus strand). Cytogenetic location: 14q24.3.
Variant type: single nucleotide variant.
Coding change: c.2868C>G on transcript NM_001040108.2 (MANE Select); coding-DNA position 2868, C replaced by G.
Protein change: p.Asn956Lys; replaces asparagine 956 with lysine.
Molecular consequence: missense variant.
Genome position (GRCh38, 1-based): chr14:75,046,788, G>C on the plus strand (C>G on the coding strand, the complement: MLH3 is on the minus strand). VCF-style: chr14-75046788-G-C. GRCh37 (hg19) VCF-style: chr14-75513491-G-C.
Other names: c.2868C>G, p.Asn956Lys (NM_014381.3); short protein forms N956K.
Identifiers: ClinVar variation 2448626 (VCV002448626.2), dbSNP rs2503259080, ClinGen allele CA390437928.

ClinVar aggregate classification (germline): Uncertain significance (1 of 4 stars; one submission).

Submission:

Ambry Genetics
Classification: Uncertain significance. Last evaluated: 2022-12-17. Review status: criteria provided, single submitter. Criteria: Ambry Variant Classification Scheme 2023. Collection method: clinical testing. Allele origin: germline.
Comment: The p.N956K variant (also known as c.2868C>G), located in coding exon 1 of the MLH3 gene, results from a C to G substitution at nucleotide position 2868. The asparagine at codon 956 is replaced by lysine, an amino acid with similar properties. This amino acid position is conserved. In addition, this alteration is predicted to be tolerated by in silico analysis. Since supporting evidence is limited at this time, the clinical significance of this alteration remains unclear.